The following is an entry in ClinVar:

ClinVar aggregate classification (germline): Conflicting classifications of pathogenicity. Review status: criteria provided, conflicting classifications (1 of 4 stars). 8 submissions from 8 submitters: Uncertain significance (7); Likely benign (1). Last evaluated 2026-02-20.

Conditions:
Hereditary cancer-predisposing syndrome. Also called: Hereditary Cancer Syndrome; Hereditary neoplastic syndrome; Tumor predisposition; Neoplastic Syndromes, Hereditary. Identifiers: Orphanet 140162, MedGen C0027672, MeSH D009386, MONDO:0015356.
Familial medullary thyroid carcinoma (MTC). Also called: Familial Medullary Thyroid Carcinoma (FMTC); Thyroid cancer, familial medullary; MTC, familial. Identifiers: Orphanet 653, Orphanet 99361, MedGen C1833921, MONDO:0007958, OMIM 155240.
Pheochromocytoma. Also called: MAX-Related Hereditary Paraganglioma-Pheochromocytoma Syndrome. Identifiers: Orphanet 29072, MedGen C0031511, MONDO:0008233, OMIM 171300, HP:0002666.
Multiple endocrine neoplasia type 2A. Also called: Multiple Endocrine Neoplasia Type 2A (MEN2A); MULTIPLE ENDOCRINE NEOPLASIA, TYPE IIA; PTC SYNDROME; SIPPLE SYNDROME; MEN 2A; MEN-2A syndrome. Identifiers: Orphanet 247698, Orphanet 653, MedGen C0025268, MeSH D018813, MONDO:0008234, OMIM 171400.
Hirschsprung disease, susceptibility to, 1 (HSCR1). Also called: RET-Related Hirschsprung Disease. Identifiers: Orphanet 388, MedGen C3888239, MONDO:0007723, OMIM 142623.
Multiple endocrine neoplasia type 2B. Also called: WAGENMANN-FROBOESE SYNDROME; MULTIPLE ENDOCRINE NEOPLASIA, TYPE III; MUCOSAL NEUROMA SYNDROME; Multiple Endocrine Neoplasia Type 2B (MEN2B); Multiple endocrine neoplasia, type 3; MULTIPLE ENDOCRINE NEOPLASIA, TYPE IIB. Identifiers: Orphanet 247709, Orphanet 653, MedGen C0025269, MeSH D018814, MONDO:0008082, OMIM 162300.
Multiple endocrine neoplasia, type 2 (MEN2). Identifiers: Orphanet 653, MedGen C4048306, MONDO:0019003. Disease mechanism: gain of function.

Allele frequency attached by ClinVar (database versions not stated): gnomAD 0.00001; gnomAD exomes 0.00001.
gnomAD v4.1: 22 of 1,613,318 alleles (0.0014%); highest among the groups gnomAD compares: Admixed American, 0.0017%; no homozygotes.

Submissions (8):

St. Jude Molecular Pathology, St. Jude Children's Research Hospital
Classification: Uncertain significance for Multiple endocrine neoplasia type 2A. Last evaluated: 2026-02-20. Review status: criteria provided, single submitter. Criteria: St. Jude Assertion Criteria 2020. Collection method: clinical testing. Allele origin: germline.
Comment: The RET c.1090A>G p.(Ile364Val) missense change has a maximum subpopulation frequency of 0.006% in gnomAD v2.1.1. The in silico tool REVEL predicts a benign effect on protein function, but to our knowledge this prediction has not been confirmed by functional studies. To our knowledge, this variant has not been reported in the literature in individuals with multiple end ocrine neoplasia type II. In summary, the evidence currently available is insufficient to determine the clinical significance of this variant. It has therefore been classified as of uncertain significance.

Ambry Genetics
Classification: Likely benign for Hereditary cancer-predisposing syndrome. Last evaluated: 2025-10-22. Review status: criteria provided, single submitter. Criteria: Ambry Variant Classification Scheme 2023. Collection method: clinical testing. Allele origin: germline.

Labcorp Genetics (formerly Invitae), Labcorp
Classification: Uncertain significance for Multiple endocrine neoplasia, type 2. Last evaluated: 2025-07-13. Review status: criteria provided, single submitter. Criteria: Invitae Variant Classification Sherloc (09022015). Collection method: clinical testing. Allele origin: germline.
Comment: This sequence change replaces isoleucine, which is neutral and non-polar, with valine, which is neutral and non-polar, at codon 364 of the RET protein (p.Ile364Val). This variant is present in population databases (no rsID available, gnomAD 0.007%). This variant has not been reported in the literature in individuals affected with RET-related conditions. ClinVar contains an entry for this variant (Variation ID: 477303). An algorithm developed to predict the effect of missense changes on protein structure and function (PolyPhen-2) suggests that this variant is likely to be tolerated. In summary, the available evidence is currently insufficient to determine the role of this variant in disease. Therefore, it has been classified as a Variant of Uncertain Significance.

Color Diagnostics, LLC DBA Color Health
Classification: Uncertain significance for Multiple endocrine neoplasia, type 2. Last evaluated: 2024-03-06. Review status: criteria provided, single submitter. Criteria: ACMG Guidelines, 2015. Collection method: clinical testing. Allele origin: germline.
Comment: This missense variant replaces isoleucine with valine at codon 364 of the RET protein. Computational prediction suggests that this variant may not impact protein structure and function. To our knowledge, functional studies have not been reported for this variant. This variant has not been reported in individuals affected with RET-related disorders in the literature. This variant has been identified in 1/31360 chromosomes in the general population by the Genome Aggregation Database (gnomAD). The available evidence is insufficient to determine the role of this variant in disease conclusively. Therefore, this variant is classified as a Variant of Uncertain Significance.

Baylor Genetics
Classification: Uncertain significance for Hirschsprung disease, susceptibility to, 1. Last evaluated: 2024-02-29. Review status: criteria provided, single submitter. Criteria: ACMG Guidelines, 2015. Collection method: clinical testing. Allele origin: unknown.

GeneDx
Classification: Uncertain significance. Last evaluated: 2024-02-07. Review status: criteria provided, single submitter. Criteria: GeneDx Variant Classification Process June 2021. Collection method: clinical testing. Allele origin: germline. Affected: yes.
Comment: Not observed at significant frequency in large population cohorts (gnomAD); In silico analysis supports that this missense variant does not alter protein structure/function; Has not been previously published as pathogenic or benign to our knowledge; This variant is associated with the following publications: (PMID: 14633923)

Fulgent Genetics
Classification: Uncertain significance for Hirschsprung disease, susceptibility to, 1; Familial medullary thyroid carcinoma; Multiple endocrine neoplasia type 2B; Pheochromocytoma; Multiple endocrine neoplasia type 2A. Last evaluated: 2024-01-15. Review status: criteria provided, single submitter. Criteria: ACMG Guidelines, 2015. Collection method: clinical testing. Allele origin: germline.

All of Us Research Program, National Institutes of Health
Classification: Uncertain significance for Multiple endocrine neoplasia, type 2. Last evaluated: 2023-05-31. Review status: criteria provided, single submitter. Criteria: ACMG Guidelines, 2015. Collection method: clinical testing. Allele origin: germline. Inheritance: Autosomal dominant inheritance. Observed: 4 variant alleles, 4 heterozygotes.
Comment: This missense variant replaces isoleucine with valine at codon 364 of the RET protein. Computational prediction suggests that this variant may not impact protein structure and function (internally defined REVEL score threshold <= 0.5, PMID: 27666373). To our knowledge, functional studies have not been reported for this variant. This variant has not been reported in individuals affected with RET-related disorders in the literature. This variant has been identified in 1/31360 chromosomes in the general population by the Genome Aggregation Database (gnomAD). The available evidence is insufficient to determine the role of this variant in disease conclusively. Therefore, this variant is classified as a Variant of Uncertain Significance.

This study involves interpretation of variants in research participants for the purpose of population health screening. Participant phenotype was not available at the time of variant classification. Additional details can be found in publication PMID: 35346344, PMCID: PMC8962531

NM_020975.6(RET):c.1090A>G (p.Ile364Val)

Gene: RET (ret proto-oncogene; plus strand). Cytogenetic location: 10q11.21.
Variant type: single nucleotide variant.
Coding change: c.1090A>G on transcript NM_020975.6 (MANE Select); coding-DNA position 1090, A replaced by G.
Protein change: p.Ile364Val; replaces isoleucine 364 with valine.
Molecular consequence: missense variant.
Genome position (GRCh38, 1-based): chr10:43,109,057, A>G. VCF-style: chr10-43109057-A-G. GRCh37 (hg19) VCF-style: chr10-43604505-A-G.
Other names: c.1090A>G, p.Ile364Val (NM_000323.2, NM_001406743.1, NM_001406744.1 and 6 more transcripts); c.328A>G, p.Ile110Val (NM_001355216.2); c.961A>G, p.Ile321Val (NM_001406761.1, NM_001406762.1, NM_001406764.1 and 1 more transcripts); c.802A>G, p.Ile268Val (NM_001406766.1, NM_001406767.1, NM_001406770.1); c.652A>G, p.Ile218Val (NM_001406771.1, NM_001406773.1); c.364A>G, p.Ile122Val (NM_001406775.1, NM_001406776.1, NM_001406777.1 and 1 more transcripts); c.100A>G, p.Ile34Val (NM_001406784.1); c.1090A>G (NM_020630.5); short protein forms I364V, I110V, I122V, I34V, I218V, I268V, I321V.
Identifiers: ClinVar variation 477303 (VCV000477303.22), dbSNP rs1308447836, ClinGen allele CA376547274.
Genomic context (GRCh38, chr10:43,109,057, plus strand): 5'-AGCTTGGTGGTCATTGTTGTGCCCCTACCTGCAGGGCTGGTTCTCAACCGGAACCTCTCC[A>G]TCTCGGAGAACCGCACCATGCAGCTGGCGGTGCTGGTCAATGACTCAGACTTCCAGGGCC-3'
Protein context (NP_066124.1, residues 354-374): YRLVLNRNLS[Ile364Val]SENRTMQLAV